The following is an entry in ClinVar:

NM_002226.5(JAG2):c.1429-6G>A

Genes: JAG2 (jagged canonical Notch ligand 2; minus strand), MIR6765 (microRNA 6765; minus strand). Cytogenetic location: 14q32.33.
Variant type: single nucleotide variant.
Coding change: c.1429-6G>A on transcript NM_002226.5 (MANE Select); 6 bases into the intron before coding-DNA position 1429, G replaced by A.
Molecular consequence: intron variant. On other transcripts: non-coding transcript variant (1).
Genome position (GRCh38, 1-based): chr14:105,150,783, C>T on the plus strand (G>A on the coding strand, the complement: JAG2 is on the minus strand). VCF-style: chr14-105150783-C-T. GRCh37 (hg19) VCF-style: chr14-105617120-C-T.
Other names: c.1315-6G>A (NM_145159.3).
Identifiers: ClinVar variation 3044151 (VCV003044151.2), dbSNP rs747717548, ClinGen allele CA7386003.

ClinVar aggregate classification (germline): Likely benign (0 of 4 stars; one submission).

Conditions:
JAG2-related disorder. Also called: JAG2-related condition.

Allele frequency attached by ClinVar (database versions not stated): gnomAD 0.00002; TOPMed 0.00002; gnomAD exomes 0.00007; ExAC 0.00010.
gnomAD v4.1: 98 of 1,584,256 alleles (0.0062%); highest among the groups gnomAD compares: Middle Eastern, 0.066%; no homozygotes.

Submission:

PreventionGenetics, part of Exact Sciences
Classification: Likely benign for JAG2-related condition. Last evaluated: 2019-05-30. Review status: no assertion criteria provided. Collection method: clinical testing. Allele origin: germline.
Comment: This variant is classified as likely benign based on ACMG/AMP sequence variant interpretation guidelines (Richards et al. 2015 PMID: 25741868, with internal and published modifications).